The following is an entry in ClinVar:

ClinVar aggregate classification (germline): Pathogenic (1 of 4 stars; one submission).

Conditions:
Spondylocarpotarsal synostosis syndrome (SCT). Also called: Spondylocarpotarsal Synostosis Syndrome (FLNB-SCT); Synspondylism congenital; Scoliosis, congenital with unilateral unsegmented bar; SPONDYLOCARPOTARSAL SYNDROME; VERTEBRAL FUSION WITH CARPAL COALITION. Identifiers: Orphanet 3275, MedGen C1848934, MONDO:0010094, OMIM 272460.
Contractures, pterygia, and spondylocarpotarsal fusion syndrome 1A (CPSFS1A). Also called: MULTIPLE PTERYGIUM SYNDROME, AUTOSOMAL DOMINANT; Distal arthrogryposis type 8; Contractures, pterygia, and variable skeletal fusions syndrome 1A. Identifiers: Orphanet 65743, MedGen C1867440, MONDO:0008338, OMIM 178110.

Submission:

Clinical Genetics Group, University of Otago
Classification: Pathogenic for Spondylocarpotarsal synostosis syndrome; Contractures, pterygia, and spondylocarpotarsal fusion syndrome 1A. Last evaluated: 2018-04-09. Review status: criteria provided, single submitter. Criteria: Cameron-Christie et al. (Am J Hum Genet. 2018). Collection method: clinical testing. Allele origin: paternal. Inheritance: Autosomal recessive inheritance. Affected: yes. Observed: 2 compound heterozygotes. Clinical features observed: Cervical vertebral fusion, Dysmorphism, Webbing of elbows, Contractures of elbows and fingers, Absent finger flexion creases, Thoracic vertebral fusion, Short neck, Scoliosis.
Comment: 6 kb intragenic deletion

NM_002470.4(MYH3):c.1411-391_1411-219del

Gene: MYH3 (myosin heavy chain 3; minus strand). Cytogenetic location: 17p13.1.
Variant type: Deletion.
Coding change: c.1411-391_1411-219del on transcript NM_002470.4 (MANE Select); 391 bases into the intron before coding-DNA position 1411 through 219 bases into the intron before coding-DNA position 1411, 173 bases deleted.
Molecular consequence: intron variant.
Genome position (GRCh38, 1-based): chr17:10,643,215-10,643,387, 173 bases deleted. GRCh37 (hg19): chr17:10,546,533-10,546,705.
Identifiers: ClinVar variation 587704 (VCV000587704.1), dbSNP rs1567558314, ClinGen allele CA891844453.